The following is an entry in ClinVar:

NM_001792.5(CDH2):c.983del (p.Gly328fs)

Gene: CDH2 (cadherin 2; minus strand). Cytogenetic location: 18q12.1.
Variant type: Deletion.
Coding change: c.983del on transcript NM_001792.5 (MANE Select); coding-DNA position 983, one base deleted (G; older notation c.983delG).
Protein change: p.Gly328fs; shifts the reading frame from glycine 328.
Molecular consequence: frameshift variant.
Genome position (GRCh38, 1-based): chr18:28,003,034, C deleted on the plus strand (G on the coding strand, the reverse complement: CDH2 is on the minus strand); the first of 2 consecutive C bases (chr18:28,003,034-28,003,035); deleting either gives the same sequence. VCF-style (leftmost placement, unchanged base first): chr18-28003033-AC-A. GRCh37 (hg19) VCF-style: chr18-25582997-AC-A.
Other names: c.890del, p.Gly297fs (NM_001308176.2); short protein forms G297fs, G328fs.
Identifiers: ClinVar variation 4854848 (VCV004854848.1).
Genomic context (GRCh38, chr18:28,003,033, plus strand): 5'-AAATAGAGTTTTTGGTTGGCTTACTTCTCGATCAAGTCCAGCTGCCACTGTGATGATGTC[AC>A]CAGTCTCATTGTTGATTGTAAACATGTTGGGTGAAGGGGTGCTTGGAGCCTGAGACACGA-3'

ClinVar aggregate classification (germline): Uncertain significance (1 of 4 stars; one submission).

Conditions:
Arrhythmogenic right ventricular dysplasia, familial, 14. Also called: ARRHYTHMOGENIC RIGHT VENTRICULAR CARDIOMYOPATHY 14. Identifiers: MedGen C5394505, MONDO:0030062, OMIM 618920.

Submission:

3billion
Classification: Uncertain significance for Arrhythmogenic right ventricular dysplasia, familial, 14. Last evaluated: 2026-01-27. Review status: criteria provided, single submitter. Criteria: ACMG Guidelines, 2015. Collection method: clinical testing. Allele origin: germline. Affected: yes.
Comment: The variant is not observed in the gnomAD v4.1.0 dataset. Predicted Consequence/Location: Frameshift: predicted to result in a loss or disruption of normal protein function through nonsense-mediated decay (NMD) or protein truncation. Multiple pathogenic variants are reported downstream of the variant. Therefore, this variant is classified as VUS according to the recommendation of ACMG/AMP guideline.